The following is an entry in ClinVar:

NM_004369.4(COL6A3):c.4427_4434del (p.Gly1476fs)

Gene: COL6A3 (collagen type VI alpha 3 chain; minus strand). Cytogenetic location: 2q37.3.
Variant type: Deletion.
Coding change: c.4427_4434del on transcript NM_004369.4 (MANE Select); coding-DNA positions 4427 to 4434, 8 bases deleted (GGGTCGTG; older notation c.4427_4434delGGGTCGTG).
Protein change: p.Gly1476fs; shifts the reading frame from glycine 1476.
Molecular consequence: frameshift variant.
Genome position (GRCh38, 1-based): chr2:237,369,029-237,369,036, CACGACCC deleted on the plus strand (GGGTCGTG on the coding strand, the reverse complement: COL6A3 is on the minus strand); deleting any 8 consecutive bases within chr2:237,369,029-237,369,038 gives the same sequence; the c. name uses the placement nearest the transcript's 3' end. VCF-style (leftmost placement, unchanged base first): chr2-237369028-GCACGACCC-G. GRCh37 (hg19) VCF-style: chr2-238277671-GCACGACCC-G.
Other names: c.2606_2613del, p.Gly869fs (NM_057166.5); c.3809_3816del, p.Gly1270fs (NM_057167.4); short protein forms G1270fs, G1476fs, G869fs.
Identifiers: ClinVar variation 2110193 (VCV002110193.4), dbSNP rs2469889428, ClinGen allele CA2580066095.
Genomic context (GRCh38, chr2:237,369,028, plus strand): 5'-CCGGGGCCTGGGATCTGTAGGTTTTCAGATAGAATTCTGGGAAGACATCATTGCTGAACT[GCACGACCC>G]CAACTCTCACTTTACTGGGGCCGATGTTGAGTCTTCGAACAATCCTGCTAACAAAATCTC-3'

ClinVar aggregate classification (germline): Pathogenic (1 of 4 stars; one submission).

Conditions:
Bethlem myopathy 1A. Also called: MYOPATHY, BENIGN CONGENITAL, WITH CONTRACTURES; Bethlem myopathy 1; Bethlem Muscular Dystrophy. Identifiers: Orphanet 610, MedGen CN029274, MONDO:0024530, OMIM 158810.

Submission:

Labcorp Genetics (formerly Invitae), Labcorp
Classification: Pathogenic for Bethlem myopathy 1A. Last evaluated: 2022-03-12. Review status: criteria provided, single submitter. Criteria: Invitae Variant Classification Sherloc (09022015). Collection method: clinical testing. Allele origin: germline.
Comment: For these reasons, this variant has been classified as Pathogenic. This variant has not been reported in the literature in individuals affected with COL6A3-related conditions. This variant is not present in population databases (gnomAD no frequency). This sequence change creates a premature translational stop signal (p.Gly1476Alafs*5) in the COL6A3 gene. It is expected to result in an absent or disrupted protein product. Loss-of-function variants in COL6A3 are known to be pathogenic (PMID: 26004199).

Literature cited by the submitters: PubMed 26004199.